The following is an entry in ClinVar:

ClinVar aggregate classification (germline): Uncertain significance (1 of 4 stars; one submission).

Conditions:
Polyhydramnios, megalencephaly, and symptomatic epilepsy (PMSE). Also called: PMSE SYNDROME. Identifiers: Orphanet 500533, MedGen C1970203, MONDO:0012611, OMIM 611087.

Allele frequency attached by ClinVar (database versions not stated): 1000 Genomes Project 30x 0.00016; 1000 Genomes Project 0.00020.
gnomAD v4.1: 7 of 1,614,072 alleles (0.00043%); highest among the groups gnomAD compares: African/African-American, 0.0013%; no homozygotes.

Submission:

Labcorp Genetics (formerly Invitae), Labcorp
Classification: Uncertain significance for Polyhydramnios, megalencephaly, and symptomatic epilepsy. Last evaluated: 2022-07-26. Review status: criteria provided, single submitter. Criteria: Invitae Variant Classification Sherloc (09022015). Collection method: clinical testing. Allele origin: germline.
Comment: This sequence change falls in intron 12 of the STRADA gene. It does not directly change the encoded amino acid sequence of the STRADA protein. It affects a nucleotide within the consensus splice site. The frequency data for this variant in the population databases is considered unreliable, as metrics indicate poor data quality at this position in the gnomAD database. This variant has not been reported in the literature in individuals affected with STRADA-related conditions. ClinVar contains an entry for this variant (Variation ID: 1431770). Variants that disrupt the consensus splice site are a relatively common cause of aberrant splicing (PMID: 17576681, 9536098). Algorithms developed to predict the effect of sequence changes on RNA splicing suggest that this variant is not likely to affect RNA splicing. In summary, the available evidence is currently insufficient to determine the role of this variant in disease. Therefore, it has been classified as a Variant of Uncertain Significance.

Literature cited by the submitters: PubMed 17576681; PubMed 9536098.

NM_001003787.4(STRADA):c.1143+5C>T

Gene: STRADA (STE20 related adaptor alpha; minus strand). Cytogenetic location: 17q23.3.
Variant type: single nucleotide variant.
Coding change: c.1143+5C>T on transcript NM_001003787.4 (MANE Select); 5 bases into the intron after coding-DNA position 1143, C replaced by T.
Molecular consequence: intron variant. On other transcripts: 3 prime UTR variant (1).
Genome position (GRCh38, 1-based): chr17:63,704,000, G>A on the plus strand (C>T on the coding strand, the complement: STRADA is on the minus strand). VCF-style: chr17-63704000-G-A. GRCh37 (hg19) VCF-style: chr17-61781360-G-A.
Other names: c.*283C>T (NM_153335.6); c.*20+5C>T (NM_001363789.1, NM_001165969.2, NM_001165970.2 and 2 more transcripts); c.1032+5C>T (NM_001003786.3); c.836-249C>T (NM_001363790.1); c.1119+5C>T (NM_001363786.1); c.1056+5C>T (NM_001363787.1); c.969+5C>T (NM_001003788.3).
Identifiers: ClinVar variation 1431770 (VCV001431770.3), dbSNP rs116089215, ClinGen allele CA8703106.
Genomic context (GRCh38, chr17:63,704,000, plus strand): 5'-TAAAGGGATTGTGAGTTGTTAGAACCAGAACTAGAACCAGAACCAGAACGAAGGGGCTAC[G>A]ATACCTGCTTGAAGAAAGAGTGGTTCAGGAGGGTGCTGGCACTGGGCCTGGAGGGAAAGG-3'